The following is an entry in ClinVar:

NM_003054.6(SLC18A2):c.1343G>A (p.Gly448Glu)

Gene: SLC18A2 (solute carrier family 18 member A2; plus strand). Cytogenetic location: 10q25.3.
Variant type: single nucleotide variant.
Coding change: c.1343G>A on transcript NM_003054.6 (MANE Select); coding-DNA position 1343, G replaced by A.
Protein change: p.Gly448Glu; replaces glycine 448 with glutamic acid.
Molecular consequence: missense variant.
Genome position (GRCh38, 1-based): chr10:117,270,366, G>A. VCF-style: chr10-117270366-G-A. GRCh37 (hg19) VCF-style: chr10-119029877-G-A.
Other names: short protein forms G448E.
Identifiers: ClinVar variation 3360342 (VCV003360342.2).

ClinVar aggregate classification (germline): Uncertain significance. Review status: criteria provided, multiple submitters, no conflicts (2 of 4 stars). 2 submissions from 2 submitters: Uncertain significance (2). Last evaluated 2024-11-21.

Conditions:
Inborn genetic diseases. Identifiers: MedGen C0950123, MeSH D030342.

gnomAD v4.1: 10 of 1,614,014 alleles (0.00062%); highest among the groups gnomAD compares: Non-Finnish European, 0.00076%; no homozygotes.

Submissions (2):

Ambry Genetics
Classification: Uncertain significance for Inborn genetic diseases. Last evaluated: 2024-11-21. Review status: criteria provided, single submitter. Criteria: Ambry Variant Classification Scheme 2023. Collection method: clinical testing. Allele origin: germline.

GeneDx
Classification: Uncertain significance. Last evaluated: 2023-06-22. Review status: criteria provided, single submitter. Criteria: GeneDx Variant Classification Process June 2021. Collection method: clinical testing. Allele origin: germline. Affected: yes.
Comment: Not observed at significant frequency in large population cohorts (gnomAD); In silico analysis supports that this missense variant has a deleterious effect on protein structure/function; Has not been previously published as pathogenic or benign to our knowledge